The following is an entry in ClinVar:

NM_033400.3(ZFHX2):c.4284dup (p.Asp1429fs)

Genes: THTPA (thiamine triphosphatase; plus strand), ZFHX2 (zinc finger homeobox 2; minus strand). Cytogenetic location: 14q11.2.
Variant type: Duplication.
Coding change: c.4284dup on transcript NM_033400.3 (MANE Select); coding-DNA position 4284, one base duplicated (C; older notation c.4284dupC).
Protein change: p.Asp1429fs; shifts the reading frame from aspartic acid 1429.
Molecular consequence: frameshift variant.
Genome position (GRCh38, 1-based): chr14:23,525,658, G duplicated on the plus strand (C on the coding strand, the reverse complement: ZFHX2 is on the minus strand); the first of 6 consecutive G bases (chr14:23,525,658-23,525,663); duplicating any one gives the same sequence. VCF-style (leftmost placement, unchanged base first): chr14-23525657-C-CG. GRCh37 (hg19) VCF-style: chr14-23994866-C-CG.
Other names: c.4284dupC (NM_033400.3); short protein forms D1429fs.
Identifiers: ClinVar variation 4688725 (VCV004688725.2).
Genomic context (GRCh38, chr14:23,525,657, plus strand): 5'-AGCCAAAGTTTTCTAGAAGGGCTTTGGCTGCAGTGCGGGCAGCCTCGTTGGGCAATGGGT[C>CG]GGGGGGTGAGGAAGGCCCTGCCTCATTACCCTCTTTGGCCATGGGGGGCCGCTCCCACTC-3'

ClinVar aggregate classification (germline): Uncertain significance. Review status: criteria provided, multiple submitters, no conflicts (2 of 4 stars). 2 submissions from 2 submitters: Uncertain significance (2). Last evaluated 2025-12-29.

Submissions (2):

Women's Health and Genetics/Laboratory Corporation of America, LabCorp
Classification: Uncertain significance. Last evaluated: 2025-12-29. Review status: criteria provided, single submitter. Criteria: LabCorp Variant Classification Summary - May 2015. Collection method: clinical testing. Allele origin: germline.
Comment: Variant summary: ZFHX2 c.4284dupC (p.Asp1429ArgfsX22) results in a premature termination codon, predicted to cause a truncation of the encoded protein or absence of the protein due to nonsense mediated decay, however current evidence is not sufficient to establish loss of function as a mechanism for disease. The frequency data for this variant in gnomAD is considered unreliable, as metrics indicate poor data quality at this position. To our knowledge, no occurrence of c.4284dupC in individuals affected with ZFHX2-related conditions and no experimental evidence demonstrating its impact on protein function have been reported. No submitters have cited clinical-significance assessments for this variant to ClinVar. Based on the evidence outlined above, the variant was classified as uncertain significance.

Blueprint Genetics
Classification: Uncertain significance. Last evaluated: 2023-11-04. Review status: criteria provided, single submitter. Criteria: ACMG Guidelines, 2015. Collection method: clinical testing. Allele origin: germline.